The following is an entry in ClinVar:

ClinVar aggregate classification (germline): Likely benign. Review status: criteria provided, single submitter (1 of 4 stars). 2 submissions from 2 submitters: Likely benign (1). 1 of the submissions does not count toward it. Last evaluated 2025-11-01.

Conditions:
SETD1A-related disorder. Also called: SETD1A-related condition.

Allele frequency attached by ClinVar (database versions not stated): gnomAD exomes 0.00010; 1000 Genomes Project 0.00100; ESP Exome Variant Server 0.00108; 1000 Genomes Project 30x 0.00109.
gnomAD v4.1: 323 of 1,613,024 alleles (0.02%); highest among the groups gnomAD compares: African/African-American, 0.37%; 1 homozygote.

Submissions (2):

CeGaT Center for Human Genetics Tuebingen
Classification: Likely benign. Last evaluated: 2025-11-01. Review status: criteria provided, single submitter. Criteria: CeGaT Center For Human Genetics Tuebingen Variant Classification Criteria Version 2. Collection method: clinical testing. Allele origin: germline. Affected: yes. Observed: 1 variant allele.
Comment: SETD1A: BP4, BP7

PreventionGenetics, part of Exact Sciences
Classification: Likely benign for SETD1A-related condition. Last evaluated: 2019-12-20. Review status: no assertion criteria provided. Collection method: clinical testing. Allele origin: germline. Not counted in ClinVar's aggregate classification.
Comment: This variant is classified as likely benign based on ACMG/AMP sequence variant interpretation guidelines (Richards et al. 2015 PMID: 25741868, with internal and published modifications).

NM_014712.3(SETD1A):c.4635C>T (p.Ser1545=)

Gene: SETD1A (SET domain containing 1A, histone lysine methyltransferase; plus strand). Cytogenetic location: 16p11.2.
Variant type: single nucleotide variant.
Coding change: c.4635C>T on transcript NM_014712.3 (MANE Select); coding-DNA position 4635, C replaced by T.
Protein change: p.Ser1545=; no amino-acid change (serine 1545 retained).
Molecular consequence: synonymous variant.
Genome position (GRCh38, 1-based): chr16:30,980,792, C>T. VCF-style: chr16-30980792-C-T. GRCh37 (hg19) VCF-style: chr16-30992113-C-T.
Identifiers: ClinVar variation 3048609 (VCV003048609.8), dbSNP rs148017984, ClinGen allele CA8017639.